The following is an entry in ClinVar:

ClinVar aggregate classification (germline): Uncertain significance. Review status: criteria provided, multiple submitters, no conflicts (2 of 4 stars). 2 submissions from 2 submitters: Uncertain significance (2). Last evaluated 2025-03-16.

Conditions:
Cardiovascular phenotype. Identifiers: MedGen CN230736.
Congenital primary aphakia. Also called: ANTERIOR SEGMENT DYSGENESIS 2; Anterior segment dysgenesis 2, multiple subtypes. Identifiers: Orphanet 83461, MedGen C1853230, MONDO:0012456, OMIM 610256.
Anterior segment dysgenesis. Also called: Ocular anterior segment dysgenesis. Identifiers: Orphanet 88632, MedGen C1862839, MONDO:0019503, HP:0007700.

Submissions (2):

Labcorp Genetics (formerly Invitae), Labcorp
Classification: Uncertain significance for Anterior segment dysgenesis; Congenital primary aphakia. Last evaluated: 2025-03-16. Review status: criteria provided, single submitter. Criteria: Invitae Variant Classification Sherloc (09022015). Collection method: clinical testing. Allele origin: germline.
Comment: This sequence change replaces proline, which is neutral and non-polar, with arginine, which is basic and polar, at codon 29 of the FOXE3 protein (p.Pro29Arg). This variant is not present in population databases (gnomAD no frequency). This variant has not been reported in the literature in individuals affected with FOXE3-related conditions. ClinVar contains an entry for this variant (Variation ID: 2448363). An algorithm developed to predict the effect of missense changes on protein structure and function (PolyPhen-2) suggests that this variant is likely to be disruptive. In summary, the available evidence is currently insufficient to determine the role of this variant in disease. Therefore, it has been classified as a Variant of Uncertain Significance.

Ambry Genetics
Classification: Uncertain significance for Cardiovascular phenotype. Last evaluated: 2022-12-31. Review status: criteria provided, single submitter. Criteria: Ambry Variant Classification Scheme 2023. Collection method: clinical testing. Allele origin: germline.
Comment: The p.P29R variant (also known as c.86C>G), located in coding exon 1 of the FOXE3 gene, results from a C to G substitution at nucleotide position 86. The proline at codon 29 is replaced by arginine, an amino acid with dissimilar properties. This amino acid position is conserved. In addition, this alteration is predicted to be tolerated by in silico analysis. Since supporting evidence is limited at this time, the clinical significance of this alteration remains unclear.

NM_012186.3(FOXE3):c.86C>G (p.Pro29Arg)

Genes: FOXE3 (forkhead box E3; plus strand), LINC01389 (long independently transcribed non-coding RNA 1389; minus strand). Cytogenetic location: 1p33.
Variant type: single nucleotide variant.
Coding change: c.86C>G on transcript NM_012186.3 (MANE Select); coding-DNA position 86, C replaced by G.
Protein change: p.Pro29Arg; replaces proline 29 with arginine.
Molecular consequence: missense variant.
Genome position (GRCh38, 1-based): chr1:47,416,401, C>G. VCF-style: chr1-47416401-C-G. GRCh37 (hg19) VCF-style: chr1-47882073-C-G.
Other names: short protein forms P29R.
Identifiers: ClinVar variation 2448363 (VCV002448363.4), dbSNP rs1220178110, ClinGen allele CA340249008.